The following is an entry in ClinVar:

ClinVar aggregate classification (germline): Pathogenic (1 of 4 stars; one submission).

Submission:

CeGaT Center for Human Genetics Tuebingen
Classification: Pathogenic. Last evaluated: 2023-04-01. Review status: criteria provided, single submitter. Criteria: CeGaT Center For Human Genetics Tuebingen Variant Classification Criteria Version 2. Collection method: clinical testing. Allele origin: germline. Affected: yes. Observed: 1 variant allele.
Comment: SPTAN1: PVS1, PM2, PS4:Supporting

NM_001130438.3(SPTAN1):c.1006C>T (p.Arg336Ter)

Gene: SPTAN1 (spectrin alpha, non-erythrocytic 1; plus strand). Cytogenetic location: 9q34.11.
Variant type: single nucleotide variant.
Coding change: c.1006C>T on transcript NM_001130438.3 (MANE Select); coding-DNA position 1006, C replaced by T.
Protein change: p.Arg336Ter; replaces arginine 336 with a stop codon.
Molecular consequence: nonsense.
Genome position (GRCh38, 1-based): chr9:128,577,427, C>T. VCF-style: chr9-128577427-C-T. GRCh37 (hg19) VCF-style: chr9-131339706-C-T.
Other names: c.1006C>T, p.Arg336Ter (NM_001375311.2, NM_001375313.1, NM_001375314.2 and 5 more transcripts); c.1042C>T, p.Arg348Ter (NM_001375312.2, NM_001375318.1); short protein forms R336*, R348*.
Identifiers: ClinVar variation 2571338 (VCV002571338.27), dbSNP rs2541053697, ClinGen allele CA375049568.